The following is an entry in ClinVar:

NM_002474.3(MYH11):c.3122-1G>C

Gene: MYH11 (myosin heavy chain 11; minus strand). Cytogenetic location: 16p13.11.
Variant type: single nucleotide variant.
Coding change: c.3122-1G>C on transcript NM_002474.3 (MANE Select); the canonical splice acceptor site of the intron before coding-DNA position 3122, G replaced by C.
Molecular consequence: splice acceptor variant.
Genome position (GRCh38, 1-based): chr16:15,737,621, C>G on the plus strand (G>C on the coding strand, the complement: MYH11 is on the minus strand). VCF-style: chr16-15737621-C-G. GRCh37 (hg19) VCF-style: chr16-15831478-C-G.
Other names: c.3122-1G>C (NM_022844.3); c.3143-1G>C (NM_001040114.2, NM_001040113.2).
Identifiers: ClinVar variation 3387201 (VCV003387201.1).

ClinVar aggregate classification (germline): Uncertain significance (1 of 4 stars; one submission).

Conditions:
Familial thoracic aortic aneurysm and aortic dissection (TAAD). Also called: Thoracic aortic aneurysms and dissections. Identifiers: Orphanet 91387, MedGen C4707243, MONDO:0019625.

Submission:

All of Us Research Program, National Institutes of Health
Classification: Uncertain significance for Familial thoracic aortic aneurysm and aortic dissection. Last evaluated: 2024-09-23. Review status: criteria provided, single submitter. Criteria: ACMG Guidelines, 2015. Collection method: clinical testing. Allele origin: germline. Inheritance: Autosomal dominant inheritance. Observed: 1 variant allele, 1 heterozygote.
Comment: This study involves interpretation of variants in research participants for the purpose of population health screening. Participant phenotype was not available at the time of variant classification. Additional details can be found in publication PMID: 35346344, PMCID: PMC8962531